The following is an entry in ClinVar:

ClinVar aggregate classification (germline): Likely pathogenic (1 of 4 stars; one submission).

Conditions:
Premature ovarian insufficiency (POF). Also called: Premature ovarian failure. Identifiers: MedGen C4303540, HP:0008209.

Allele frequency attached by ClinVar (database versions not stated): TOPMed below 0.00001; ExAC 0.00002; gnomAD exomes 0.00002.
gnomAD v4.1: 28 of 1,610,092 alleles (0.0017%); highest among the groups gnomAD compares: Admixed American, 0.0033%; no homozygotes.

Submission:

Medical Cytogenetics and Molecular Genetics Laboratory, IRCCS Istituto Auxologico Italiano
Classification: Likely pathogenic for Premature ovarian failure. Last evaluated: 2020-03-02. Review status: criteria provided, single submitter. Criteria: ACMG Guidelines, 2015. Collection method: research. Allele origin: germline. Affected: yes. Observed: 1 variant allele.
Comment: Homozygous variant

NM_001718.6(BMP6):c.409C>A (p.Leu137Met)

Gene: BMP6 (bone morphogenetic protein 6; plus strand). Cytogenetic location: 6p24.3.
Variant type: single nucleotide variant.
Coding change: c.409C>A on transcript NM_001718.6 (MANE Select); coding-DNA position 409, C replaced by A.
Protein change: p.Leu137Met; replaces leucine 137 with methionine.
Molecular consequence: missense variant.
Genome position (GRCh38, 1-based): chr6:7,727,364, C>A. VCF-style: chr6-7727364-C-A. GRCh37 (hg19) VCF-style: chr6-7727597-C-A.
Other names: short protein forms L137M.
Identifiers: ClinVar variation 929751 (VCV000929751.2), dbSNP rs747427445, ClinGen allele CA3628558.